The following is an entry in ClinVar:

ClinVar aggregate classification (germline): Conflicting classifications of pathogenicity. Review status: criteria provided, conflicting classifications (1 of 4 stars). 3 submissions from 3 submitters: Uncertain significance (2); Likely benign (1). Last evaluated 2024-11-01.

Conditions:
Inborn genetic diseases. Identifiers: MedGen C0950123, MeSH D030342.

Allele frequency attached by ClinVar (database versions not stated): TOPMed 0.00003; gnomAD 0.00004; ExAC 0.00007; gnomAD exomes 0.00008; ESP Exome Variant Server 0.00015.
gnomAD v4.1: 123 of 1,613,814 alleles (0.0076%); highest among the groups gnomAD compares: Non-Finnish European, 0.0094%; no homozygotes.

Submissions (3):

CeGaT Center for Human Genetics Tuebingen
Classification: Likely benign. Last evaluated: 2024-11-01. Review status: criteria provided, single submitter. Criteria: CeGaT Center For Human Genetics Tuebingen Variant Classification Criteria Version 2. Collection method: clinical testing. Allele origin: germline. Affected: yes. Observed: 1 variant allele.
Comment: DHX37: BP4

Labcorp Genetics (formerly Invitae), Labcorp
Classification: Uncertain significance. Last evaluated: 2024-06-08. Review status: criteria provided, single submitter. Criteria: Invitae Variant Classification Sherloc (09022015). Collection method: clinical testing. Allele origin: germline.
Comment: This sequence change replaces glutamic acid, which is acidic and polar, with lysine, which is basic and polar, at codon 1051 of the DHX37 protein (p.Glu1051Lys). This variant is present in population databases (rs199842004, gnomAD 0.008%). This variant has not been reported in the literature in individuals affected with DHX37-related conditions. ClinVar contains an entry for this variant (Variation ID: 2512386). Advanced modeling of protein sequence and biophysical properties (such as structural, functional, and spatial information, amino acid conservation, physicochemical variation, residue mobility, and thermodynamic stability) performed at Invitae indicates that this missense variant is not expected to disrupt DHX37 protein function with a negative predictive value of 80%. In summary, the available evidence is currently insufficient to determine the role of this variant in disease. Therefore, it has been classified as a Variant of Uncertain Significance.

Ambry Genetics
Classification: Uncertain significance for Inborn genetic diseases. Last evaluated: 2023-05-26. Review status: criteria provided, single submitter. Criteria: Ambry Variant Classification Scheme 2023. Collection method: clinical testing. Allele origin: germline.

NM_032656.4(DHX37):c.3151G>A (p.Glu1051Lys)

Gene: DHX37 (DEAH-box helicase 37; minus strand). Cytogenetic location: 12q24.31.
Variant type: single nucleotide variant.
Coding change: c.3151G>A on transcript NM_032656.4 (MANE Select); coding-DNA position 3151, G replaced by A.
Protein change: p.Glu1051Lys; replaces glutamic acid 1051 with lysine.
Molecular consequence: missense variant.
Genome position (GRCh38, 1-based): chr12:124,950,214, C>T on the plus strand (G>A on the coding strand, the complement: DHX37 is on the minus strand). VCF-style: chr12-124950214-C-T. GRCh37 (hg19) VCF-style: chr12-125434760-C-T.
Other names: short protein forms E1051K.
Identifiers: ClinVar variation 2512386 (VCV002512386.18), dbSNP rs199842004, ClinGen allele CA6871333.